The following is an entry in ClinVar:

NM_001458.5(FLNC):c.5551C>T (p.Gln1851Ter)

Genes: FLNC (filamin C; plus strand), FLNC-AS1 (FLNC antisense RNA 1; minus strand). Cytogenetic location: 7q32.1.
Variant type: single nucleotide variant.
Coding change: c.5551C>T on transcript NM_001458.5 (MANE Select); coding-DNA position 5551, C replaced by T.
Protein change: p.Gln1851Ter; replaces glutamine 1851 with a stop codon.
Molecular consequence: nonsense.
Genome position (GRCh38, 1-based): chr7:128,851,243, C>T. VCF-style: chr7-128851243-C-T. GRCh37 (hg19) VCF-style: chr7-128491297-C-T.
Other names: c.5452C>T, p.Gln1818Ter (NM_001127487.2); short protein forms Q1818*, Q1851*.
Identifiers: ClinVar variation 3383178 (VCV003383178.2).

ClinVar aggregate classification (germline): Likely pathogenic (1 of 4 stars; one submission).

Conditions:
Myofibrillar myopathy 5. Also called: Filaminopathy (type); FILAMINOPATHY, AUTOSOMAL DOMINANT. Identifiers: Orphanet 171445, MedGen C1836050, MONDO:0012289, OMIM 609524.
Hypertrophic cardiomyopathy 26. Also called: Cardiomyopathy, familial hypertrophic, 26. Identifiers: Orphanet 75249, MedGen C4310749, MONDO:0014883, OMIM 617047.
Distal myopathy with posterior leg and anterior hand involvement. Also called: WILLIAMS DISTAL MYOPATHY. Identifiers: Orphanet 63273, MedGen C3279722, MONDO:0013550, OMIM 614065.

gnomAD v4.1: 1 of 1,614,030 alleles (0.000062%); highest among the groups gnomAD compares: Admixed American, 0.0017%; no homozygotes.

Submission:

Juno Genomics, Hangzhou Juno Genomics, Inc
Classification: Likely pathogenic for Hypertrophic cardiomyopathy 26; Distal myopathy with posterior leg and anterior hand involvement; Myofibrillar myopathy 5. Review status: criteria provided, single submitter. Criteria: ACMG Guidelines, 2015. Collection method: clinical testing. Allele origin: germline. Affected: yes.
Comment: Null variant in a gene where loss of function (LOF) is a known mechanism of disease.;Absent from controls (or at extremely low frequency if recessive) in Genome Aggregation Database, Exome Sequencing Project, 1000 Genomes Project, or Exome Aggregation Consortium.